The following is an entry in ClinVar:

NM_003560.4(PLA2G6):c.1648C>T (p.Arg550Trp)

Gene: PLA2G6 (phospholipase A2 group VI; minus strand). Cytogenetic location: 22q13.1.
Variant type: single nucleotide variant.
Coding change: c.1648C>T on transcript NM_003560.4 (MANE Select); coding-DNA position 1648, C replaced by T.
Protein change: p.Arg550Trp; replaces arginine 550 with tryptophan.
Molecular consequence: missense variant.
Genome position (GRCh38, 1-based): chr22:38,120,853, G>A on the plus strand (C>T on the coding strand, the complement: PLA2G6 is on the minus strand). VCF-style: chr22-38120853-G-A. GRCh37 (hg19) VCF-style: chr22-38516860-G-A.
Other names: c.1486C>T, p.Arg496Trp (NM_001004426.3, NM_001199562.3, NM_001349865.2 and 1 more transcripts); c.1648C>T, p.Arg550Trp (NM_001349864.2); c.1114C>T, p.Arg372Trp (NM_001349867.2); c.970C>T, p.Arg324Trp (NM_001349868.2); c.952C>T, p.Arg318Trp (NM_001349869.2); short protein forms R550W, R318W, R372W, R324W, R496W.
Identifiers: ClinVar variation 341637 (VCV000341637.6), dbSNP rs886057502, ClinGen allele CA10651305.
Genomic context (GRCh38, chr22:38,120,853, plus strand): 5'-CCCCAAACTCCCGCTTCAGGAACTCCTCCAGGGGCCCCGACTCGTAGGGCCTGGAGCCCC[G>A]GAACACCTCATCCTTCATGCGAAAGTACATGCCGCGCATGTAGGCCATGGACTTACCTAG-3'
Protein context (NP_003551.2, residues 540-560): MYFRMKDEVF[Arg550Trp]GSRPYESGPL

ClinVar aggregate classification (germline): Uncertain significance. Review status: criteria provided, multiple submitters, no conflicts (2 of 4 stars). 2 submissions from 2 submitters: Uncertain significance (2). Last evaluated 2024-08-26.

Conditions:
PLA2G6-associated neurodegeneration (PLAN). Also called: phospholipase A2-associated neurodegeneration. Identifiers: Orphanet 329303, MedGen CN204472, MONDO:0017998.

Allele frequency attached by ClinVar (database versions not stated): gnomAD 0.00002; TOPMed 0.00003.
gnomAD v4.1: 7 of 1,613,786 alleles (0.00043%); highest among the groups gnomAD compares: African/African-American, 0.004%; no homozygotes.

Submissions (2):

Women's Health and Genetics/Laboratory Corporation of America, LabCorp
Classification: Uncertain significance. Last evaluated: 2024-08-26. Review status: criteria provided, single submitter. Criteria: LabCorp Variant Classification Summary - May 2015. Collection method: clinical testing. Allele origin: germline.
Comment: Variant summary: PLA2G6 c.1648C>T (p.Arg550Trp) results in a non-conservative amino acid change located in the Patatin-like phospholipase domain (IPR002641) of the encoded protein sequence. Four of five in-silico tools predict a damaging effect of the variant on protein function. The variant was absent in 251352 control chromosomes. The available data on variant occurrences in the general population are insufficient to allow any conclusion about variant significance. c.1648C>T has been reported in the literature in at-least one individual affected with Parkinson disease (example: Zhao_2020) . These data do not allow any conclusion about variant significance. To our knowledge, no experimental evidence demonstrating an impact on protein function has been reported. The following publication has been ascertained in the context of this evaluation (PMID: 32613234). ClinVar contains an entry for this variant (Variation ID: 341637). Based on the evidence outlined above, the variant was classified as uncertain significance.

Illumina Laboratory Services, Illumina
Classification: Uncertain significance for PLA2G6-associated neurodegeneration. Last evaluated: 2018-01-12. Review status: criteria provided, single submitter. Criteria: ICSL Variant Classification Criteria 13 December 2019. Collection method: clinical testing. Allele origin: germline.

Literature cited by the submitters: PubMed 32613234 (cited by Women's Health and Genetics/Laboratory Corporation of America, LabCorp).